The following is an entry in ClinVar:

ClinVar aggregate classification (germline): Uncertain significance (1 of 4 stars; one submission).

Conditions:
Hereditary cancer-predisposing syndrome. Also called: Neoplastic Syndromes, Hereditary; Tumor predisposition; Hereditary Cancer Syndrome; Hereditary neoplastic syndrome. Identifiers: Orphanet 140162, MedGen C0027672, MeSH D009386, MONDO:0015356.

Submission:

Ambry Genetics
Classification: Uncertain significance for Hereditary cancer-predisposing syndrome. Last evaluated: 2026-04-14. Review status: criteria provided, single submitter. Criteria: Ambry Variant Classification Scheme 2023. Collection method: clinical testing. Allele origin: germline.
Comment: The c.73-5T>G intronic variant results from a T to G substitution 5 nucleotides upstream from coding exon 2 in the ATM gene. This nucleotide position is well conserved in available vertebrate species. In silico splice site analysis predicts that this alteration may result in the creation or strengthening of a novel splice acceptor site. Based on the available evidence, the clinical significance of this variant remains unclear.

NM_000051.4(ATM):c.73-5T>G

Gene: ATM (ATM serine/threonine kinase; plus strand). Cytogenetic location: 11q22.3.
Variant type: single nucleotide variant.
Coding change: c.73-5T>G on transcript NM_000051.4 (MANE Select); 5 bases into the intron before coding-DNA position 73, T replaced by G.
Molecular consequence: intron variant.
Genome position (GRCh38, 1-based): chr11:108,227,771, T>G. VCF-style: chr11-108227771-T-G. GRCh37 (hg19) VCF-style: chr11-108098498-T-G.
Other names: c.73-5T>G (NM_001351834.2, NM_001351835.2, NM_001351836.2).
Identifiers: ClinVar variation 4866115 (VCV004866115.1).
Genomic context (GRCh38, chr11:108,227,771, plus strand): 5'-AAATTCAATTTTTCCTTGAAATAAGTGTGATTAGTAACCCATTATTATTTCCTTTTTATT[T>G]TCAGAAAGAAGTTGAGAAATTTAAGCGCCTGATTCGAGATCCTGAAACAATTAAACATCT-3'